The following is an entry in ClinVar:

NM_153717.3(EVC):c.2932G>T (p.Asp978Tyr)

Gene: EVC (EvC ciliary complex subunit 1; plus strand). Cytogenetic location: 4p16.2.
Variant type: single nucleotide variant.
Coding change: c.2932G>T on transcript NM_153717.3 (MANE Select); coding-DNA position 2932, G replaced by T.
Protein change: p.Asp978Tyr; replaces aspartic acid 978 with tyrosine.
Molecular consequence: missense variant.
Genome position (GRCh38, 1-based): chr4:5,810,990, G>T. VCF-style: chr4-5810990-G-T. GRCh37 (hg19) VCF-style: chr4-5812717-G-T.
Other names: c.2929G>T, p.Asp977Tyr (NM_001306090.2); short protein forms D978Y, D977Y.
Identifiers: ClinVar variation 461814 (VCV000461814.6), dbSNP rs150173231, ClinGen allele CA2836770.

ClinVar aggregate classification (germline): Uncertain significance. Review status: criteria provided, multiple submitters, no conflicts (2 of 4 stars). 3 submissions from 3 submitters: Uncertain significance (2). 1 of the submissions does not count toward it. Last evaluated 2024-03-15.

Conditions:
Inborn genetic diseases. Identifiers: MedGen C0950123, MeSH D030342.
Curry-Hall syndrome (WAD). Also called: WEYERS ACRODENTAL DYSOSTOSIS. Identifiers: Orphanet 952, MedGen C0457013, MONDO:0008673, OMIM 193530.
Ellis-van Creveld syndrome (EVC). Also called: MESOECTODERMAL DYSPLASIA; Chondroectodermal dysplasia; EVC-Related Ellis-van Creveld Syndrome; EVC2-Related Ellis-van Creveld Syndrome. Identifiers: Orphanet 289, MedGen C0013903, MONDO:0009162, OMIM 225500.

Allele frequency attached by ClinVar (database versions not stated): TOPMed 0.00013; ESP Exome Variant Server 0.00015; 1000 Genomes Project 0.00020; 1000 Genomes Project 30x 0.00031.
gnomAD v4.1: 31 of 1,613,186 alleles (0.0019%); highest among the groups gnomAD compares: African/African-American, 0.033%; no homozygotes.

Submissions (3):

Ambry Genetics
Classification: Uncertain significance for Inborn genetic diseases. Last evaluated: 2024-03-15. Review status: criteria provided, single submitter. Criteria: Ambry Variant Classification Scheme 2023. Collection method: clinical testing. Allele origin: germline.

Labcorp Genetics (formerly Invitae), Labcorp
Classification: Uncertain significance for Curry-Hall syndrome; Ellis-van Creveld syndrome. Last evaluated: 2022-06-01. Review status: criteria provided, single submitter. Criteria: Invitae Variant Classification Sherloc (09022015). Collection method: clinical testing. Allele origin: germline.
Comment: This sequence change replaces aspartic acid, which is acidic and polar, with tyrosine, which is neutral and polar, at codon 978 of the EVC protein (p.Asp978Tyr). This variant is present in population databases (rs150173231, gnomAD 0.05%). This variant has not been reported in the literature in individuals affected with EVC-related conditions. ClinVar contains an entry for this variant (Variation ID: 461814). Algorithms developed to predict the effect of missense changes on protein structure and function are either unavailable or do not agree on the potential impact of this missense change (SIFT: "Deleterious"; PolyPhen-2: "Possibly Damaging"; Align-GVGD: "Class C0"). Algorithms developed to predict the effect of sequence changes on RNA splicing suggest that this variant may create or strengthen a splice site. In summary, the available evidence is currently insufficient to determine the role of this variant in disease. Therefore, it has been classified as a Variant of Uncertain Significance.

Natera, Inc.
Classification: Uncertain significance for Ellis-van Creveld syndrome. Last evaluated: 2019-10-28. Review status: no assertion criteria provided. Collection method: clinical testing. Allele origin: germline. Not counted in ClinVar's aggregate classification.